The following is an entry in ClinVar:

NM_001370259.2(MEN1):c.726C>G (p.Ala242=)

Gene: MEN1 (menin 1; minus strand). Cytogenetic location: 11q13.1.
Variant type: single nucleotide variant.
Coding change: c.726C>G on transcript NM_001370259.2 (MANE Select); coding-DNA position 726, C replaced by G.
Protein change: p.Ala242=; no amino-acid change (alanine 242 retained).
Molecular consequence: synonymous variant. On other transcripts: non-coding transcript variant (4).
Genome position (GRCh38, 1-based): chr11:64,807,609, G>C on the plus strand (C>G on the coding strand, the complement: MEN1 is on the minus strand). VCF-style: chr11-64807609-G-C. GRCh37 (hg19) VCF-style: chr11-64575081-G-C.
Other names: c.726C>G, p.Ala242= (NM_001407144.1, NM_001407146.1, NM_001407147.1 and 7 more transcripts); c.741C>G, p.Ala247= (NM_001407145.1, NM_001407150.1, NM_130800.3 and 5 more transcripts); c.621C>G, p.Ala207= (NM_001407148.1, NM_001407149.1, NM_001407151.1 and 2 more transcripts).
Identifiers: ClinVar variation 3773294 (VCV003773294.1).

ClinVar aggregate classification (germline): Benign (1 of 4 stars; one submission).

Conditions:
Multiple endocrine neoplasia, type 1 (MEN1). Also called: MEN I; WERMER SYNDROME; Endocrine adenomatosis multiple; MEN 1; MEA I. Identifiers: Orphanet 652, MedGen C0025267, MeSH D018761, MONDO:0007540, OMIM 131100.

Submission:

Myriad Genetics, Inc.
Classification: Benign for Multiple endocrine neoplasia, type 1. Last evaluated: 2024-11-01. Review status: criteria provided, single submitter. Criteria: Myriad Autosomal Dominant, Autosomal Recessive and X-Linked Classification Criteria (2023). Collection method: clinical testing. Allele origin: unknown.
Comment: This variant is considered benign. This variant is a silent/synonymous amino acid change and it is not expected to impact splicing.